The following is an entry in ClinVar:

NM_001768.7(CD8A):c.568G>A (p.Ala190Thr)

Gene: CD8A (CD8 subunit alpha; minus strand). Cytogenetic location: 2p11.2.
Variant type: single nucleotide variant.
Coding change: c.568G>A on transcript NM_001768.7 (MANE Select); coding-DNA position 568, G replaced by A.
Protein change: p.Ala190Thr; replaces alanine 190 with threonine.
Molecular consequence: missense variant. On other transcripts: non-coding transcript variant (2), intron variant (1).
Genome position (GRCh38, 1-based): chr2:86,789,380, C>T on the plus strand (G>A on the coding strand, the complement: CD8A is on the minus strand). VCF-style: chr2-86789380-C-T. GRCh37 (hg19) VCF-style: chr2-87016503-C-T.
Other names: c.568G>A, p.Ala190Thr (NM_001145873.1, NM_001382698.1); c.514+260G>A (NM_171827.4); short protein forms A190T.
Identifiers: ClinVar variation 842472 (VCV000842472.10), dbSNP rs1673165651, ClinGen allele CA347576067.

ClinVar aggregate classification (germline): Uncertain significance (1 of 4 stars; one submission).

Conditions:
Susceptibility to respiratory infections associated with CD8alpha chain mutation (IMD116). Also called: Cd8 deficiency, familial; IMMUNODEFICIENCY 116. Identifiers: Orphanet 169085, MedGen C1837065, MONDO:0012161, OMIM 608957.

Submission:

Labcorp Genetics (formerly Invitae), Labcorp
Classification: Uncertain significance for Susceptibility to respiratory infections associated with CD8alpha chain mutation. Last evaluated: 2019-12-13. Review status: criteria provided, single submitter. Criteria: Invitae Variant Classification Sherloc (09022015). Collection method: clinical testing. Allele origin: germline.
Comment: This sequence change replaces alanine with threonine at codon 190 of the CD8A protein (p.Ala190Thr). The alanine residue is highly conserved and there is a small physicochemical difference between alanine and threonine. This variant has not been reported in the literature in individuals with CD8A-related conditions. This variant is not present in population databases (ExAC no frequency). Algorithms developed to predict the effect of missense changes on protein structure and function output the following: SIFT: "Deleterious"; PolyPhen-2: "Possibly Damaging"; Align-GVGD: "Class C0". The threonine amino acid residue is found in multiple mammalian species, suggesting that this missense change does not adversely affect protein function. These predictions have not been confirmed by published functional studies and their clinical significance is uncertain. In summary, the available evidence is currently insufficient to determine the role of this variant in disease. Therefore, it has been classified as a Variant of Uncertain Significance.